The following is an entry in ClinVar:

NM_018668.5(VPS33B):c.956A>G (p.Asp319Gly)

Gene: VPS33B (VPS33B late endosome and lysosome associated; minus strand). Cytogenetic location: 15q26.1.
Variant type: single nucleotide variant.
Coding change: c.956A>G on transcript NM_018668.5 (MANE Select); coding-DNA position 956, A replaced by G.
Protein change: p.Asp319Gly; replaces aspartic acid 319 with glycine.
Molecular consequence: missense variant.
Genome position (GRCh38, 1-based): chr15:91,005,768, T>C on the plus strand (A>G on the coding strand, the complement: VPS33B is on the minus strand). VCF-style: chr15-91005768-T-C. GRCh37 (hg19) VCF-style: chr15-91548998-T-C.
Other names: c.875A>G, p.Asp292Gly (NM_001289148.1); c.683A>G, p.Asp228Gly (NM_001289149.1); short protein forms D228G, D292G, D319G.
Identifiers: ClinVar variation 3353513 (VCV003353513.1).

ClinVar aggregate classification (germline): Uncertain significance (0 of 4 stars; one submission).

Conditions:
VPS33B-related disorder. Also called: VPS33B-related condition.

gnomAD v4.1: 22 of 1,614,034 alleles (0.0014%); highest among the groups gnomAD compares: Non-Finnish European, 0.00042%; no homozygotes.

Submission:

PreventionGenetics, part of Exact Sciences
Classification: Uncertain significance for VPS33B-related condition. Last evaluated: 2024-04-17. Review status: no assertion criteria provided. Collection method: clinical testing. Allele origin: germline.
Comment: The VPS33B c.956A>G variant is predicted to result in the amino acid substitution p.Asp319Gly. To our knowledge, this variant has not been reported in the literature. This variant is reported in 0.048% of alleles in individuals of European (Finnish) descent in gnomAD. At this time, the clinical significance of this variant is uncertain due to the absence of conclusive functional and genetic evidence.